The following is an entry in ClinVar:

ClinVar aggregate classification (germline): Conflicting classifications of pathogenicity. Review status: criteria provided, conflicting classifications (1 of 4 stars). 3 submissions from 3 submitters: Pathogenic (1); Likely pathogenic (1); Uncertain significance (1). Last evaluated 2025-03-30.

Conditions:
Familial hemiplegic migraine. Identifiers: MedGen C0338484, MONDO:0000700.
Migraine, familial hemiplegic, 2. Identifiers: Orphanet 569, MedGen C1865322, MONDO:0011232, OMIM 602481.

Allele frequency attached by ClinVar (database versions not stated): gnomAD exomes below 0.00001.
gnomAD v4.1: 1 of 1,614,060 alleles (0.000062%); highest among the groups gnomAD compares: African/African-American, 0.0013%; no homozygotes.

Submissions (3):

Labcorp Genetics (formerly Invitae), Labcorp
Classification: Likely pathogenic for Familial hemiplegic migraine. Last evaluated: 2025-03-30. Review status: criteria provided, single submitter. Criteria: Invitae Variant Classification Sherloc (09022015). Collection method: clinical testing. Allele origin: germline.
Comment: This sequence change replaces serine, which is neutral and polar, with leucine, which is neutral and non-polar, at codon 220 of the ATP1A2 protein (p.Ser220Leu). This variant is not present in population databases (gnomAD no frequency). This missense change has been observed in individuals with clinical features of autosomal dominant familial hemiplegic migraine (PMID: 30097147, 34096472; internal data). ClinVar contains an entry for this variant (Variation ID: 2412820). Invitae Evidence Modeling of protein sequence and biophysical properties (such as structural, functional, and spatial information, amino acid conservation, physicochemical variation, residue mobility, and thermodynamic stability) indicates that this missense variant is expected to disrupt ATP1A2 protein function with a positive predictive value of 80%. In summary, the currently available evidence indicates that the variant is pathogenic, but additional data are needed to prove that conclusively. Therefore, this variant has been classified as Likely Pathogenic.

Athena Diagnostics
Classification: Uncertain significance. Last evaluated: 2023-02-17. Review status: criteria provided, single submitter. Criteria: Athena Diagnostics Criteria. Collection method: clinical testing. Allele origin: unknown.
Comment: Available data are insufficient to determine the clinical significance of the variant at this time. This variant has been identified in at least one individual with clinical features of autosomal dominant familial hemiplegic migraine. This variant has not been reported in large, multi-ethnic general populations. Computational tools predict that this variant is damaging. There was not enough information identified regarding segregation with disease in families to be useful in characterizing this variant.

Centre for Inherited Metabolic Diseases, Karolinska University Hospital
Classification: Pathogenic for Migraine, familial hemiplegic, 2. Last evaluated: 2023-01-31. Review status: criteria provided, single submitter. Criteria: ACMG Guidelines, 2015. Collection method: clinical testing. Allele origin: de novo. Inheritance: Autosomal dominant inheritance. Affected: yes. Observed: 1 heterozygote.

Literature cited by the submitters: PubMed 30097147 (cited by Labcorp Genetics (formerly Invitae), Labcorp and Athena Diagnostics); PubMed 34096472 (cited by Labcorp Genetics (formerly Invitae), Labcorp); PubMed 24096472 (cited by Athena Diagnostics); PubMed 28717674 (cited by Athena Diagnostics); PubMed 27226003 (cited by Athena Diagnostics).

NM_000702.4(ATP1A2):c.659C>T (p.Ser220Leu)

Genes: ATP1A2 (ATPase Na+/K+ transporting subunit alpha 2; plus strand), LOC126805890 (CDK7 strongly-dependent group 2 enhancer GRCh37_chr1:160093987-160095186; plus strand). Cytogenetic location: 1q23.2.
Variant type: single nucleotide variant.
Coding change: c.659C>T on transcript NM_000702.4 (MANE Select); coding-DNA position 659, C replaced by T.
Protein change: p.Ser220Leu; replaces serine 220 with leucine.
Molecular consequence: missense variant.
Genome position (GRCh38, 1-based): chr1:160,125,164, C>T. VCF-style: chr1-160125164-C-T. GRCh37 (hg19) VCF-style: chr1-160094954-C-T.
Other names: short protein forms S220L.
Identifiers: ClinVar variation 2412820 (VCV002412820.8), dbSNP rs2524859328, ClinGen allele CA343235203.